The following is an entry in ClinVar:

ClinVar aggregate classification (germline): Conflicting classifications of pathogenicity. Review status: criteria provided, conflicting classifications (1 of 4 stars). 10 submissions from 10 submitters: Uncertain significance (2); Benign (1); Likely benign (5). 2 of the submissions do not count toward it. Last evaluated 2026-02-03.

Conditions:
POLE-related disorder. Also called: POLE-related disorders; POLE-related condition.
Hereditary cancer-predisposing syndrome. Also called: Tumor predisposition; Neoplastic Syndromes, Hereditary; Hereditary Cancer Syndrome; Hereditary neoplastic syndrome. Identifiers: Orphanet 140162, MedGen C0027672, MeSH D009386, MONDO:0015356.

Allele frequency attached by ClinVar (database versions not stated): gnomAD 0.00013 and 0.00014; ESP Exome Variant Server 0.00015; TOPMed 0.00022; ExAC 0.00026; gnomAD exomes 0.00032.
gnomAD v4.1: 199 of 1,614,158 alleles (0.012%); highest among the groups gnomAD compares: Admixed American, 0.083%; no homozygotes.

Submissions (10):

Labcorp Genetics (formerly Invitae), Labcorp
Classification: Likely benign. Last evaluated: 2026-02-03. Review status: criteria provided, single submitter. Criteria: Invitae Variant Classification Sherloc (09022015). Collection method: clinical testing. Allele origin: germline.

Center for Genomic Medicine, Rigshospitalet, Copenhagen University Hospital
Classification: Uncertain significance. Last evaluated: 2025-03-04. Review status: criteria provided, single submitter. Criteria: ACMG Guidelines, 2015. Collection method: clinical testing. Allele origin: germline.

Ambry Genetics
Classification: Likely benign for Hereditary cancer-predisposing syndrome. Last evaluated: 2024-06-25. Review status: criteria provided, single submitter. Criteria: Ambry Variant Classification Scheme 2023. Collection method: clinical testing. Allele origin: germline.

GeneDx
Classification: Likely benign. Last evaluated: 2021-06-14. Review status: criteria provided, single submitter. Criteria: GeneDx Variant Classification Process June 2021. Collection method: clinical testing. Allele origin: germline. Affected: yes.

Sema4
Classification: Likely benign for Hereditary cancer-predisposing syndrome. Last evaluated: 2021-03-29. Review status: criteria provided, single submitter. Criteria: Sema4 Curation Guidelines. Collection method: curation. Allele origin: germline.

Genetic Services Laboratory, University of Chicago
Classification: Uncertain significance. Last evaluated: 2019-12-02. Review status: criteria provided, single submitter. Criteria: ACMG Guidelines, 2015. Collection method: clinical testing. Allele origin: germline. Affected: no.

Quest Diagnostics Nichols Institute San Juan Capistrano
Classification: Benign. Last evaluated: 2019-07-08. Review status: criteria provided, single submitter. Criteria: Quest Diagnostics criteria. Collection method: clinical testing. Allele origin: germline.

Women's Health and Genetics/Laboratory Corporation of America, LabCorp
Classification: Likely benign. Last evaluated: 2018-12-14. Review status: criteria provided, single submitter. Criteria: LabCorp Variant Classification Summary - May 2015. Collection method: clinical testing. Allele origin: germline.
Comment: Variant summary: POLE c.4237G>A (p.Glu1413Lys) results in a conservative amino acid change in the encoded protein sequence. Four of five in-silico tools predict a benign effect of the variant on protein function. The variant allele was found at a frequency of 0.00031 in 277202 control chromosomes (gnomAD). The observed variant frequency is approximately 21.59 fold of the estimated maximal expected allele frequency for a pathogenic variant in POLE causing Colorectal Cancer phenotype (1.4e-05), strongly suggesting that the variant is benign. c.4237G>A has been reported in the literature in individual(s) affected with advanced cancer without strong evidence for causality; the variant was classified by the authors of the study as uncertain significance (Mandelker_2017). To our knowledge, no experimental evidence demonstrating an impact on protein function has been reported. Three ClinVar submissions from clinical diagnostic laboratories (evaluation after 2014) cite the variant as likely benign (2x) and once as uncertain significance. Based on the evidence outlined above, the variant was classified as likely benign.

PreventionGenetics, part of Exact Sciences
Classification: Uncertain significance for POLE-related condition. Last evaluated: 2024-02-16. Review status: no assertion criteria provided. Collection method: clinical testing. Allele origin: germline. Not counted in ClinVar's aggregate classification.
Comment: The POLE c.4237G>A variant is predicted to result in the amino acid substitution p.Glu1413Lys. This variant was reported in a study of individuals with advanced cancer, however specific details were not provided (eTable, Mandelker et al. 2017. PubMed ID: 28873162). This variant is reported in 0.32% of alleles in individuals of Ashkenazi Jewish descent in gnomAD, which may be too common to be causative. In Clinvar, this variant has conflicting interpretations, ranging from uncertain significance to likely benign, to benign. While this variant may be benign, at this time, the clinical significance of this variant is uncertain due to the absence of conclusive functional and genetic evidence.

Department of Pathology and Laboratory Medicine, Sinai Health System
Classification: Uncertain significance. Review status: no assertion criteria provided. Collection method: clinical testing. Allele origin: unknown. Affected: yes. Study: The Canadian Open Genetics Repository (COGR). Not counted in ClinVar's aggregate classification.
Comment: The POLE p.Glu1413Lys variant was identified in 1 of 2080 proband chromosomes (frequency: 0.0005) from individuals or families with unspecified cancer (Mandelker 2017). The variant was also identified in dbSNP (ID: rs372901803) as "With Likely benign allele", in ClinVar (classified as likely benign by Invitae and GeneDx; as uncertain significance by Prevention Genetics). The variant was identified in control databases in 85 of 277202 chromosomes at a frequency of 0.0003 (Genome Aggregation Database Feb 27, 2017). The variant was observed in the following populations: Other in 1 of 6466 chromosomes (freq: 0.0002), Latino in 44 of 34418 chromosomes (freq: 0.001), European Non-Finnish in 6 of 126690 chromosomes (freq: 0.00005), Ashkenazi Jewish in 34 of 10152 chromosomes (freq: 0.003); it was not observed in the African, East Asian, Finnish, and South Asian populations. The p.Glu1413 residue is conserved in mammals but not in more distantly related organisms however four out of five computational analyses (PolyPhen-2, SIFT, AlignGVGD, BLOSUM, MutationTaster) do not suggest a high likelihood of impact to the protein; this information is not predictive enough to rule out pathogenicity. The variant occurs outside of the splicing consensus sequence and in silico or computational prediction software programs (SpliceSiteFinder, MaxEntScan, NNSPLICE, GeneSplicer) do not predict a difference in splicing. In summary, based on the above information the clinical significance of this variant cannot be determined with certainty at this time. This variant is classified as a variant of uncertain significance.

Literature cited by the submitters: PubMed 28873162 (cited by Women's Health and Genetics/Laboratory Corporation of America, LabCorp).

NM_006231.4(POLE):c.4237G>A (p.Glu1413Lys)

Gene: POLE (DNA polymerase epsilon, catalytic subunit; minus strand). Cytogenetic location: 12q24.33.
Variant type: single nucleotide variant.
Coding change: c.4237G>A on transcript NM_006231.4 (MANE Select); coding-DNA position 4237, G replaced by A.
Protein change: p.Glu1413Lys; replaces glutamic acid 1413 with lysine.
Molecular consequence: missense variant.
Genome position (GRCh38, 1-based): chr12:132,643,890, C>T on the plus strand (G>A on the coding strand, the complement: POLE is on the minus strand). VCF-style: chr12-132643890-C-T. GRCh37 (hg19) VCF-style: chr12-133220476-C-T.
Other names: short protein forms E1413K.
Identifiers: ClinVar variation 240507 (VCV000240507.30), dbSNP rs372901803, ClinGen allele CA6892935.